The following is an entry in ClinVar:

NM_032043.3(BRIP1):c.1500del (p.Glu501fs)

Gene: BRIP1 (BRCA1 interacting DNA helicase 1; minus strand). Cytogenetic location: 17q23.2.
Variant type: Deletion.
Coding change: c.1500del on transcript NM_032043.3 (MANE Select); coding-DNA position 1500, one base deleted (A; older notation c.1500delA).
Protein change: p.Glu501fs; shifts the reading frame from glutamic acid 501.
Molecular consequence: frameshift variant.
Genome position (GRCh38, 1-based): chr17:61,784,398, T deleted on the plus strand (A on the coding strand, the reverse complement: BRIP1 is on the minus strand); the first of 5 consecutive T bases (chr17:61,784,398-61,784,402); deleting any one gives the same sequence. VCF-style (leftmost placement, unchanged base first): chr17-61784397-CT-C. GRCh37 (hg19) VCF-style: chr17-59861758-CT-C.
Other names: short protein forms E501fs.
Identifiers: ClinVar variation 3760439 (VCV003760439.2).

ClinVar aggregate classification (germline): Pathogenic (1 of 4 stars; one submission).

Conditions:
Fanconi anemia complementation group J. Also called: BRIP1-Related Fanconi Anemia. Identifiers: Orphanet 84, MedGen C1836860, MONDO:0012187, OMIM 609054.
Familial cancer of breast. Also called: BREAST CANCER, FAMILIAL; Hereditary breast cancer; hereditary breast carcinoma. Identifiers: Orphanet 227535, MedGen C0346153, MONDO:0016419, OMIM 114480. Disease mechanism: loss of function.

Submission:

Labcorp Genetics (formerly Invitae), Labcorp
Classification: Pathogenic for Familial cancer of breast; Fanconi anemia complementation group J. Last evaluated: 2025-02-26. Review status: criteria provided, single submitter. Criteria: Invitae Variant Classification Sherloc (09022015). Collection method: clinical testing. Allele origin: germline.
Comment: This sequence change creates a premature translational stop signal (p.Glu501Argfs*25) in the BRIP1 gene. It is expected to result in an absent or disrupted protein product. Loss-of-function variants in BRIP1 are known to be pathogenic (PMID: 16116423, 17033622, 21964575). This variant is not present in population databases (gnomAD no frequency). This variant has not been reported in the literature in individuals affected with BRIP1-related conditions. For these reasons, this variant has been classified as Pathogenic.

Literature cited by the submitters: PubMed 16116423; PubMed 17033622; PubMed 21964575.